The following is an entry in ClinVar:

ClinVar aggregate classification (germline): Likely benign (1 of 4 stars; one submission).

Allele frequency attached by ClinVar (database versions not stated): 1000 Genomes Project 0.00020; ExAC 0.00023; gnomAD exomes 0.00027; gnomAD 0.00060; TOPMed 0.00070; 1000 Genomes Project 30x 0.00109.

Submission:

GeneDx
Classification: Likely benign. Last evaluated: 2017-09-13. Review status: criteria provided, single submitter. Criteria: GeneDx Variant Classification (06012015). Collection method: clinical testing. Allele origin: germline. Affected: yes.
Comment: This variant is considered likely benign or benign based on one or more of the following criteria: it is a conservative change, it occurs at a poorly conserved position in the protein, it is predicted to be benign by multiple in silico algorithms, and/or has population frequency not consistent with disease.

NM_001614.5(ACTG1):c.-27C>T

Gene: ACTG1 (actin gamma 1; minus strand). Cytogenetic location: 17q25.3.
Variant type: single nucleotide variant.
Coding change: c.-27C>T on transcript NM_001614.5 (MANE Select); 27 bases upstream of the start codon, C replaced by T.
Molecular consequence: 5 prime UTR variant. On other transcripts: non-coding transcript variant (1).
Genome position (GRCh38, 1-based): chr17:81,512,754, G>A on the plus strand (C>T on the coding strand, the complement: ACTG1 is on the minus strand). VCF-style: chr17-81512754-G-A. GRCh37 (hg19) VCF-style: chr17-79479780-G-A.
Other names: c.-146C>T (NM_001199954.3).
Identifiers: ClinVar variation 386710 (VCV000386710.1), dbSNP rs552393684, ClinGen allele CA8836497.
Genomic context (GRCh38, chr17:81,512,754, plus strand): 5'-CCTGCGACGTCCAGCTCAGGCCCCGGGGCGGGGCGCTCACCGGCAGAGAAACGCGACGGC[G>A]GAGCGGCGGAAGAACAGAGTGCGAGAGCTGGCAGCGGCGACTGAGACCGACCGCGGCCTC-3'